The following is an entry in ClinVar:

NM_003922.4(HERC1):c.6949C>A (p.Leu2317Ile)

Gene: HERC1 (HECT and RLD domain containing E3 ubiquitin protein ligase family member 1; minus strand). Cytogenetic location: 15q22.31.
Variant type: single nucleotide variant.
Coding change: c.6949C>A on transcript NM_003922.4 (MANE Select); coding-DNA position 6949, C replaced by A.
Protein change: p.Leu2317Ile; replaces leucine 2317 with isoleucine.
Molecular consequence: missense variant.
Genome position (GRCh38, 1-based): chr15:63,677,966, G>T on the plus strand (C>A on the coding strand, the complement: HERC1 is on the minus strand). VCF-style: chr15-63677966-G-T. GRCh37 (hg19) VCF-style: chr15-63970165-G-T.
Other names: c.6949C>A (NM_003922.2); short protein forms L2317I.
Identifiers: ClinVar variation 1028680 (VCV001028680.5), dbSNP rs746098639, ClinGen allele CA392738067.

ClinVar aggregate classification (germline): Uncertain significance. Review status: criteria provided, multiple submitters, no conflicts (2 of 4 stars). 3 submissions from 3 submitters: Uncertain significance (3). Last evaluated 2024-12-19.

Conditions:
Macrocephaly, dysmorphic facies, and psychomotor retardation (MDFPMR). Identifiers: Orphanet 457359, MedGen C4310766, MONDO:0014863, OMIM 617011.

Submissions (3):

Genomic Medicine Center of Excellence, King Faisal Specialist Hospital and Research Centre
Classification: Uncertain significance for Macrocephaly, dysmorphic facies, and psychomotor retardation. Last evaluated: 2024-12-19. Review status: criteria provided, single submitter. Criteria: ACMG Guidelines, 2015. Collection method: clinical testing. Allele origin: germline.

Revvity Omics, Revvity
Classification: Uncertain significance for Macrocephaly, dysmorphic facies, and psychomotor retardation. Last evaluated: 2021-02-03. Review status: criteria provided, single submitter. Criteria: ACMG Guidelines, 2015. Collection method: clinical testing. Allele origin: germline.

Baylor Genetics
Classification: Uncertain significance for Macrocephaly, dysmorphic facies, and psychomotor retardation. Last evaluated: 2020-01-20. Review status: criteria provided, single submitter. Criteria: ACMG Guidelines, 2015. Collection method: clinical testing. Allele origin: unknown. Affected: yes.
Comment: This variant was determined to be of uncertain significance according to ACMG Guidelines, 2015 [PMID:25741868].